The following is an entry in ClinVar:

ClinVar aggregate classification (germline): Likely pathogenic (1 of 4 stars; one submission).

Conditions:
Neurodevelopmental-craniofacial syndrome with variable renal and cardiac abnormalities. Identifiers: MedGen C5561984, MONDO:0859190, OMIM 619522.

Submission:

Laboratory of Medical Genetics, National & Kapodistrian University of Athens
Classification: Likely pathogenic for Neurodevelopmental-craniofacial syndrome with variable renal and cardiac abnormalities. Last evaluated: 2024-04-08. Review status: criteria provided, single submitter. Criteria: ACMG Guidelines, 2015. Collection method: clinical testing. Allele origin: germline. Affected: yes.
Comment: PVS1, PM2 - Variant absent from gnomAD. In silico prediction tools estimated that the variant could be damaging for the protein function/stracture. Higly relevant to the patient's phenotype.

NM_197968.4(ZMYM2):c.3340_3341del (p.Thr1114fs)

Gene: ZMYM2 (zinc finger MYM-type containing 2; plus strand). Cytogenetic location: 13q12.11.
Variant type: Microsatellite.
Coding change: c.3340_3341del on transcript NM_197968.4 (MANE Select); coding-DNA positions 3340 to 3341, 2 bases deleted (AC; older notation c.3340_3341delAC).
Protein change: p.Thr1114fs; shifts the reading frame from threonine 1114.
Molecular consequence: frameshift variant. On other transcripts: non-coding transcript variant (1).
Genome position (GRCh38, 1-based): chr13:20,067,277-20,067,278, AC deleted; deleting any 2 consecutive bases within chr13:20,067,274-20,067,278 gives the same sequence; the c. name uses the placement nearest the transcript's 3' end. VCF-style (leftmost placement, unchanged base first): chr13-20067273-TCA-T. GRCh37 (hg19) VCF-style: chr13-20641413-TCA-T.
Other names: c.3340_3341del, p.Thr1114fs (NM_001190964.4, NM_001190965.4, NM_001353157.2 and 5 more transcripts); c.3145_3146del, p.Thr1049fs (NM_001353161.3); c.3079_3080del, p.Thr1027fs (NM_001353163.2); short protein forms T1027fs, T1049fs, T1114fs.
Identifiers: ClinVar variation 3256541 (VCV003256541.1).